The following is an entry in ClinVar:

ClinVar aggregate classification (germline): Uncertain significance (1 of 4 stars; one submission).

Conditions:
Inborn glycerol kinase deficiency. Also called: GK DEFICIENCY; GK1 DEFICIENCY; Deficiency of glycerol kinase; Hyperglycerolemia. Identifiers: Orphanet 308993, Orphanet 408, MedGen C0268418, MONDO:0010613, OMIM 307030, HP:0040302.

gnomAD v4.1: 8 of 1,196,389 alleles (0.00067%); highest among the groups gnomAD compares: South Asian, 0.0035%; no homozygotes.

Submission:

Dasa
Classification: Uncertain significance for Inborn glycerol kinase deficiency. Last evaluated: 2026-02-25. Review status: criteria provided, single submitter. Criteria: DASA Assertion Criteria. Collection method: clinical testing. Allele origin: germline.
Comment: NM_001205019.2(GK):c.1099G>A (p.Val367Ile) is a missense variant that results in the substitution of valine with isoleucine. This variant is rare in population databases. The currently available literature and clinical evidence are not sufficient to establish a definitive association between this variant and the reported condition. Therefore, this variant is classified as a variant of uncertain significance.

NM_001205019.2(GK):c.1099G>A (p.Val367Ile)

Gene: GK (glycerol kinase; plus strand). Cytogenetic location: Xp21.2.
Variant type: single nucleotide variant.
Coding change: c.1099G>A on transcript NM_001205019.2 (MANE Select); coding-DNA position 1099, G replaced by A.
Protein change: p.Val367Ile; replaces valine 367 with isoleucine.
Molecular consequence: missense variant. On other transcripts: non-coding transcript variant (7).
Genome position (GRCh38, 1-based): chrX:30,719,463, G>A. VCF-style: chrX-30719463-G-A. GRCh37 (hg19) VCF-style: chrX-30737580-G-A.
Other names: c.1081G>A, p.Val361Ile (NM_000167.6, NM_001128127.3); c.1165G>A, p.Val389Ile (NM_001399987.1, NM_001437590.1); c.1099G>A, p.Val367Ile (NM_203391.4); short protein forms V361I, V367I, V389I.
Identifiers: ClinVar variation 4882423 (VCV004882423.2).